The following is an entry in ClinVar:

NM_002109.6(HARS1):c.653A>G (p.Asp218Gly)

Gene: HARS1 (histidyl-tRNA synthetase 1; minus strand). Cytogenetic location: 5q31.3.
Variant type: single nucleotide variant.
Coding change: c.653A>G on transcript NM_002109.6 (MANE Select); coding-DNA position 653, A replaced by G.
Protein change: p.Asp218Gly; replaces aspartic acid 218 with glycine.
Molecular consequence: missense variant.
Genome position (GRCh38, 1-based): chr5:140,677,731, T>C on the plus strand (A>G on the coding strand, the complement: HARS1 is on the minus strand). VCF-style: chr5-140677731-T-C. GRCh37 (hg19) VCF-style: chr5-140057316-T-C.
Other names: c.533A>G, p.Asp178Gly (NM_001258040.3); c.593A>G, p.Asp198Gly (NM_001258041.3); c.473A>G, p.Asp158Gly (NM_001258042.3); c.431A>G, p.Asp144Gly (NM_001289092.2); c.311A>G, p.Asp104Gly (NM_001289093.2); c.566A>G, p.Asp189Gly (NM_001289094.2); c.653A>G (NM_002109.3); short protein forms D104G, D144G, D158G, D178G, D189G, D198G, D218G.
Identifiers: ClinVar variation 1097974 (VCV001097974.13), dbSNP rs374172904, ClinGen allele CA3444027.

ClinVar aggregate classification (germline): Conflicting classifications of pathogenicity. Review status: criteria provided, conflicting classifications (1 of 4 stars). 5 submissions from 5 submitters: Uncertain significance (2); Likely benign (3). Last evaluated 2026-01-19.

Conditions:
Usher syndrome type 3B. Also called: USHER SYNDROME, TYPE IIIB. Identifiers: MedGen C3281066, MONDO:0013788, OMIM 614504.

Allele frequency attached by ClinVar (database versions not stated): ExAC 0.00003; gnomAD exomes 0.00003 and 0.00005; ESP Exome Variant Server 0.00008; gnomAD 0.00022 and 0.00027; TOPMed 0.00023.
gnomAD v4.1: 71 of 1,610,212 alleles (0.0044%); highest among the groups gnomAD compares: African/African-American, 0.092%; no homozygotes.

Submissions (5):

Women's Health and Genetics/Laboratory Corporation of America, LabCorp
Classification: Likely benign. Last evaluated: 2026-01-19. Review status: criteria provided, single submitter. Criteria: LabCorp Variant Classification Summary - May 2015. Collection method: clinical testing. Allele origin: germline.
Comment: Variant summary: HARS1 c.653A>G (p.Asp218Gly) results in a non-conservative amino acid change in the encoded protein sequence. Algorithms developed to predict the effect of missense changes on protein structure and function all suggest that this variant is likely to be disruptive. The variant allele was found at a frequency of 4.4e-05 in 1610212 control chromosomes, predominantly at a frequency of 0.00092 within the African or African-American subpopulation in the gnomAD database. The observed variant frequency within African or African-American control individuals in the gnomAD database exceeds the estimated maximal expected allele frequency for disease-causing variants in HARS1. To our knowledge, no occurrence of c.653A>G in individuals affected with HARS1-related conditions and no experimental evidence demonstrating its impact on protein function have been reported. ClinVar contains an entry for this variant (Variation ID: 1097974). Based on the evidence outlined above, the variant was classified as likely benign.

Labcorp Genetics (formerly Invitae), Labcorp
Classification: Likely benign for Usher syndrome type 3B. Last evaluated: 2025-12-25. Review status: criteria provided, single submitter. Criteria: Invitae Variant Classification Sherloc (09022015). Collection method: clinical testing. Allele origin: germline.

Ambry Genetics
Classification: Likely benign. Last evaluated: 2024-10-20. Review status: criteria provided, single submitter. Criteria: Ambry Variant Classification Scheme 2023. Collection method: clinical testing. Allele origin: germline.

GeneDx
Classification: Uncertain significance. Last evaluated: 2023-01-17. Review status: criteria provided, single submitter. Criteria: GeneDx Variant Classification Process June 2021. Collection method: clinical testing. Allele origin: germline. Affected: yes.
Comment: In silico analysis supports that this missense variant has a deleterious effect on protein structure/function; Has not been previously published as pathogenic or benign to our knowledge

Blueprint Genetics
Classification: Uncertain significance. Last evaluated: 2020-01-13. Review status: criteria provided, single submitter. Criteria: ACMG Guidelines, 2015. Collection method: clinical testing. Allele origin: germline.